The following is an entry in ClinVar:

ClinVar aggregate classification (germline): Benign/Likely benign. Review status: criteria provided, multiple submitters, no conflicts (2 of 4 stars). 14 submissions from 14 submitters: Benign (6); Likely benign (5). 3 of the submissions do not count toward it. Last evaluated 2026-08-27.

Conditions:
Inborn genetic diseases. Identifiers: MedGen C0950123, MeSH D030342.
CHD7-related disorder. Also called: CHD7-related condition.
CHARGE syndrome (CHARGE). Also called: CHARGE ASSOCIATION--COLOBOMA, HEART ANOMALY, CHOANAL ATRESIA, RETARDATION, GENITAL AND EAR ANOMALIES; Hittner Hirsch Kreh syndrome; Coloboma, heart anomaly, choanal atresia, retardation, genital and ear anomalies; CHARGE association; Hall-Hittner syndrome. Identifiers: Orphanet 138, MedGen C0265354, MONDO:0008965.

Allele frequency attached by ClinVar (database versions not stated): gnomAD 0.00482 and 0.00445; gnomAD exomes 0.00036 and 0.00105; 1000 Genomes Project 30x 0.00422; TOPMed 0.00484; ExAC 0.00127; ESP Exome Variant Server 0.00392; 1000 Genomes Project 0.00439.
gnomAD v4.1: 1,246 of 1,613,856 alleles (0.077%); highest among the groups gnomAD compares: African/African-American, 1.5%; 10 homozygotes.

Submissions (14):

PreventionGenetics, part of Exact Sciences
Classification: Benign for CHD7-related condition. Last evaluated: 2026-08-27. Review status: criteria provided, single submitter. Criteria: ACMG Guidelines, 2015. Collection method: clinical testing. Allele origin: germline.
Comment: This variant is classified as benign based on ACMG/AMP sequence variant interpretation guidelines (Richards et al. 2015 PMID: 25741868, with internal and published modifications).

Labcorp Genetics (formerly Invitae), Labcorp
Classification: Benign for CHARGE syndrome. Last evaluated: 2026-01-28. Review status: criteria provided, single submitter. Criteria: Invitae Variant Classification Sherloc (09022015). Collection method: clinical testing. Allele origin: germline.

CeGaT Center for Human Genetics Tuebingen
Classification: Likely benign. Last evaluated: 2025-09-01. Review status: criteria provided, single submitter. Criteria: CeGaT Center For Human Genetics Tuebingen Variant Classification Criteria Version 2. Collection method: clinical testing. Allele origin: germline. Affected: yes. Observed: 1 variant allele.
Comment: CHD7: BP4, BS1

Blueprint Genetics
Classification: Likely benign. Last evaluated: 2024-07-18. Review status: criteria provided, single submitter. Criteria: ACMG Guidelines, 2015. Collection method: clinical testing. Allele origin: germline.

Women's Health and Genetics/Laboratory Corporation of America, LabCorp
Classification: Likely benign. Last evaluated: 2024-02-25. Review status: criteria provided, single submitter. Criteria: LabCorp Variant Classification Summary - May 2015. Collection method: clinical testing. Allele origin: germline.

SIB Swiss Institute of Bioinformatics
Classification: Likely benign for CHD7-related CHARGE syndrome. Last evaluated: 2018-05-31. Review status: criteria provided, single submitter. Criteria: ACMG Guidelines, 2015. Collection method: curation. Allele origin: unknown.
Comment: This variant is interpreted as a Likely Benign, for CHARGE syndrome, in Autosomal Dominant manner. The following ACMG Tag(s) were applied: BS2 => Observed in a healthy adult individual for a recessive (homozygous), dominant (heterozygous), or X-linked (hemizygous) disorder, with full penetrance expected at an early age. BP4 => Multiple lines of computational evidence suggest no impact on gene or gene product (conservation, evolutionary, splicing impact, etc.).

Laboratory for Molecular Medicine, Mass General Brigham Personalized Medicine
Classification: Benign. Last evaluated: 2017-08-23. Review status: criteria provided, single submitter. Criteria: LMM Criteria. Collection method: clinical testing. Allele origin: germline. Observed: 1 variant allele.
Comment: p.Ala2160Thr in exon 31 of CHD7: This variant is not expected to have clinical significance because it has been identified in 1.47% (140/9514) of African chromosomes by the Exome Aggregation Consortium (ExAC; dbSNP rs61753399).

Ambry Genetics
Classification: Benign for Inborn genetic diseases. Last evaluated: 2016-07-01. Review status: criteria provided, single submitter. Criteria: Ambry Variant Classification Scheme 2023. Collection method: clinical testing. Allele origin: germline.

GeneDx
Classification: Benign. Last evaluated: 2016-04-22. Review status: criteria provided, single submitter. Criteria: GeneDx Variant Classification (06012015). Collection method: clinical testing. Allele origin: germline. Affected: yes.
Comment: This variant is considered likely benign or benign based on one or more of the following criteria: it is a conservative change, it occurs at a poorly conserved position in the protein, it is predicted to be benign by multiple in silico algorithms, and/or has population frequency not consistent with disease.

Genetic Services Laboratory, University of Chicago
Classification: Benign. Last evaluated: 2013-02-08. Review status: criteria provided, single submitter. Criteria: ACMG Guidelines, 2007. Collection method: clinical testing. Allele origin: germline. Inheritance: Autosomal dominant inheritance.

Breakthrough Genomics
Classification: Likely benign. Review status: criteria provided, single submitter. Criteria: ACMG Guidelines, 2015. Collection method: not provided. Allele origin: germline. Inheritance: Autosomal dominant inheritance. Affected: yes.

Clinical Genetics, Academic Medical Center
Classification: Benign. Review status: no assertion criteria provided. Collection method: clinical testing. Allele origin: germline. Affected: yes. Study: VKGL Data-share Consensus. Not counted in ClinVar's aggregate classification.

Diagnostic Laboratory, Department of Genetics, University Medical Center Groningen
Classification: Benign. Review status: no assertion criteria provided. Collection method: clinical testing. Allele origin: germline. Affected: yes. Study: VKGL Data-share Consensus. Not counted in ClinVar's aggregate classification.

Joint Genome Diagnostic Labs from Nijmegen and Maastricht, Radboudumc and MUMC+
Classification: Benign. Review status: no assertion criteria provided. Collection method: clinical testing. Allele origin: germline. Affected: yes. Study: VKGL Data-share Consensus. Not counted in ClinVar's aggregate classification.

NM_017780.4(CHD7):c.6478G>A (p.Ala2160Thr)

Gene: CHD7 (chromodomain helicase DNA binding protein 7; plus strand). Cytogenetic location: 8q12.2.
Variant type: single nucleotide variant.
Coding change: c.6478G>A on transcript NM_017780.4 (MANE Select); coding-DNA position 6478, G replaced by A.
Protein change: p.Ala2160Thr; replaces alanine 2160 with threonine.
Molecular consequence: missense variant. On other transcripts: intron variant (1).
Genome position (GRCh38, 1-based): chr8:60,853,203, G>A. VCF-style: chr8-60853203-G-A. GRCh37 (hg19) VCF-style: chr8-61765762-G-A.
Other names: NM_017780.3(CHD7):c.6478G>A(p.Ala2160Thr); c.6478G>A (LRG_176t1); c.1717-9026G>A (NM_001316690.1); short protein forms A2160T.
Identifiers: ClinVar variation 158311 (VCV000158311.44), dbSNP rs61753399, ClinGen allele CA171759.
Genomic context (GRCh38, chr8:60,853,203, plus strand): 5'-ACATCTTCCTTGAACCCACTGGCAGTTGGATTTGTCCAGACTCCTCCAGTCATCTCATCT[G>A]CTCATATTCAAGATGAGAGGGTACTGGAACAAGCCGAAGGCAAAGTGGAGGAGCCTGAAA-3'
Protein context (NP_060250.2, residues 2150-2170): FVQTPPVISS[Ala2160Thr]HIQDERVLEQ